The following is an entry in ClinVar:

NM_006231.4(POLE):c.2985G>C (p.Lys995Asn)

Gene: POLE (DNA polymerase epsilon, catalytic subunit; minus strand). Cytogenetic location: 12q24.33.
Variant type: single nucleotide variant.
Coding change: c.2985G>C on transcript NM_006231.4 (MANE Select); coding-DNA position 2985, G replaced by C.
Protein change: p.Lys995Asn; replaces lysine 995 with asparagine.
Molecular consequence: missense variant.
Genome position (GRCh38, 1-based): chr12:132,661,044, C>G on the plus strand (G>C on the coding strand, the complement: POLE is on the minus strand). VCF-style: chr12-132661044-C-G. GRCh37 (hg19) VCF-style: chr12-133237630-C-G.
Other names: c.2985G>C (NM_006231.2); short protein forms K995N.
Identifiers: ClinVar variation 2127957 (VCV002127957.5), dbSNP rs1644915427, ClinGen allele CA387392382.

ClinVar aggregate classification (germline): Uncertain significance. Review status: criteria provided, multiple submitters, no conflicts (2 of 4 stars). 2 submissions from 2 submitters: Uncertain significance (2). Last evaluated 2025-12-02.

Conditions:
Hereditary cancer-predisposing syndrome. Also called: Hereditary neoplastic syndrome; Tumor predisposition; Hereditary Cancer Syndrome; Neoplastic Syndromes, Hereditary. Identifiers: Orphanet 140162, MedGen C0027672, MeSH D009386, MONDO:0015356.

Submissions (2):

Ambry Genetics
Classification: Uncertain significance for Hereditary cancer-predisposing syndrome. Last evaluated: 2025-12-02. Review status: criteria provided, single submitter. Criteria: Ambry Variant Classification Scheme 2023. Collection method: clinical testing. Allele origin: germline.
Comment: The p.K995N variant (also known as c.2985G>C), located in coding exon 25 of the POLE gene, results from a G to C substitution at nucleotide position 2985. The lysine at codon 995 is replaced by asparagine, an amino acid with similar properties. This amino acid position is conserved. In addition, this alteration is predicted to be tolerated by in silico analysis. Based on the available evidence, the clinical significance of this variant remains unclear.

Labcorp Genetics (formerly Invitae), Labcorp
Classification: Uncertain significance. Last evaluated: 2022-04-19. Review status: criteria provided, single submitter. Criteria: Invitae Variant Classification Sherloc (09022015). Collection method: clinical testing. Allele origin: germline.
Comment: In summary, the available evidence is currently insufficient to determine the role of this variant in disease. Therefore, it has been classified as a Variant of Uncertain Significance. Algorithms developed to predict the effect of missense changes on protein structure and function (SIFT, PolyPhen-2, Align-GVGD) all suggest that this variant is likely to be tolerated. This variant has not been reported in the literature in individuals affected with POLE-related conditions. This variant is not present in population databases (gnomAD no frequency). This sequence change replaces lysine, which is basic and polar, with asparagine, which is neutral and polar, at codon 995 of the POLE protein (p.Lys995Asn).